The following is an entry in ClinVar:

NM_018263.6(ASXL2):c.2365T>C (p.Cys789Arg)

Gene: ASXL2 (ASXL transcriptional regulator 2; minus strand). Cytogenetic location: 2p23.3.
Variant type: single nucleotide variant.
Coding change: c.2365T>C on transcript NM_018263.6 (MANE Select); coding-DNA position 2365, T replaced by C.
Protein change: p.Cys789Arg; replaces cysteine 789 with arginine.
Molecular consequence: missense variant.
Genome position (GRCh38, 1-based): chr2:25,743,972, A>G on the plus strand (T>C on the coding strand, the complement: ASXL2 is on the minus strand). VCF-style: chr2-25743972-A-G. GRCh37 (hg19) VCF-style: chr2-25966841-A-G.
Other names: c.2191T>C, p.Cys731Arg (NM_001369346.1); c.1585T>C, p.Cys529Arg (NM_001369347.1); short protein forms C529R, C731R, C789R.
Identifiers: ClinVar variation 2446115 (VCV002446115.1), dbSNP rs2087894626, ClinGen allele CA346081191.

ClinVar aggregate classification (germline): Uncertain significance (1 of 4 stars; one submission).

Allele frequency attached by ClinVar (database versions not stated): gnomAD exomes below 0.00001.
gnomAD v4.1: 2 of 1,613,966 alleles (0.00012%); highest among the groups gnomAD compares: African/African-American, 0.0013%; no homozygotes.

Submission:

GeneDx
Classification: Uncertain significance. Last evaluated: 2022-09-21. Review status: criteria provided, single submitter. Criteria: GeneDx Variant Classification Process June 2021. Collection method: clinical testing. Allele origin: germline. Affected: yes.
Comment: Not observed at significant frequency in large population cohorts (gnomAD); In silico analysis supports that this missense variant has a deleterious effect on protein structure/function; Has not been previously published as pathogenic or benign to our knowledge